The following is an entry in ClinVar:

ClinVar aggregate classification (germline): Uncertain significance (1 of 4 stars; one submission).

Conditions:
Hepatic methionine adenosyltransferase deficiency. Also called: MAT I/III DEFICIENCY; Deficiency of methionine adenosyltransferase; Isolated Persistent Hypermethioninemia; Methionine adenosyltransferase deficiency. Identifiers: Orphanet 168598, MedGen C0268621, MeSH C564683, MONDO:0009607, OMIM 250850.

Allele frequency attached by ClinVar (database versions not stated): ExAC 0.00004; gnomAD 0.00005; TOPMed 0.00005; 1000 Genomes Project 30x 0.00016; ESP Exome Variant Server 0.00023; gnomAD exomes 0.00008; 1000 Genomes Project 0.00020.
gnomAD v4.1: 117 of 1,614,150 alleles (0.0072%); highest among the groups gnomAD compares: Middle Eastern, 0.016%; no homozygotes.

Submission:

Labcorp Genetics (formerly Invitae), Labcorp
Classification: Uncertain significance for Hepatic methionine adenosyltransferase deficiency. Last evaluated: 2025-11-12. Review status: criteria provided, single submitter. Criteria: Invitae Variant Classification Sherloc (09022015). Collection method: clinical testing. Allele origin: germline.
Comment: This sequence change replaces glutamic acid, which is acidic and polar, with lysine, which is basic and polar, at codon 326 of the MAT1A protein (p.Glu326Lys). This variant is present in population databases (rs201707737, gnomAD 0.01%). This variant has not been reported in the literature in individuals affected with MAT1A-related conditions. ClinVar contains an entry for this variant (Variation ID: 2731460). Invitae Evidence Modeling of protein sequence and biophysical properties (such as structural, functional, and spatial information, amino acid conservation, physicochemical variation, residue mobility, and thermodynamic stability) indicates that this missense variant is not expected to disrupt MAT1A protein function with a negative predictive value of 80%. In summary, the available evidence is currently insufficient to determine the role of this variant in disease. Therefore, it has been classified as a Variant of Uncertain Significance.

NM_000429.3(MAT1A):c.976G>A (p.Glu326Lys)

Gene: MAT1A (methionine adenosyltransferase 1A; minus strand). Cytogenetic location: 10q22.3.
Variant type: single nucleotide variant.
Coding change: c.976G>A on transcript NM_000429.3 (MANE Select); coding-DNA position 976, G replaced by A.
Protein change: p.Glu326Lys; replaces glutamic acid 326 with lysine.
Molecular consequence: missense variant.
Genome position (GRCh38, 1-based): chr10:80,274,629, C>T on the plus strand (G>A on the coding strand, the complement: MAT1A is on the minus strand). VCF-style: chr10-80274629-C-T. GRCh37 (hg19) VCF-style: chr10-82034385-C-T.
Other names: short protein forms E326K.
Identifiers: ClinVar variation 2731460 (VCV002731460.3), dbSNP rs201707737, ClinGen allele CA5576643.